The following is an entry in ClinVar:

ClinVar aggregate classification (germline): Likely benign. Review status: criteria provided, multiple submitters, no conflicts (2 of 4 stars). 2 submissions from 2 submitters: Likely benign (2). Last evaluated 2019-01-21.

Conditions:
Hereditary cancer-predisposing syndrome. Also called: Tumor predisposition; Hereditary neoplastic syndrome; Neoplastic Syndromes, Hereditary; Hereditary Cancer Syndrome. Identifiers: Orphanet 140162, MedGen C0027672, MeSH D009386, MONDO:0015356.

gnomAD v4.1: 1 of 1,498,890 alleles (0.000067%); highest among the groups gnomAD compares: African/African-American, 0.0015%; no homozygotes.

Submissions (2):

Ambry Genetics
Classification: Likely benign for Hereditary cancer-predisposing syndrome. Last evaluated: 2019-01-21. Review status: criteria provided, single submitter. Criteria: Ambry Variant Classification Scheme 2023. Collection method: clinical testing. Allele origin: germline.

GeneDx
Classification: Likely benign. Last evaluated: 2017-08-24. Review status: criteria provided, single submitter. Criteria: GeneDx Variant Classification (06012015). Collection method: clinical testing. Allele origin: germline. Affected: yes.
Comment: This variant is considered likely benign or benign based on one or more of the following criteria: it is a conservative change, it occurs at a poorly conserved position in the protein, it is predicted to be benign by multiple in silico algorithms, and/or has population frequency not consistent with disease.

NM_006231.4(POLE):c.39A>G (p.Pro13=)

Genes: POLE (DNA polymerase epsilon, catalytic subunit; minus strand), LOC130009266 (ATAC-STARR-seq lymphoblastoid silent region 5123; plus strand). Cytogenetic location: 12q24.33.
Variant type: single nucleotide variant.
Coding change: c.39A>G on transcript NM_006231.4 (MANE Select); coding-DNA position 39, A replaced by G.
Protein change: p.Pro13=; no amino-acid change (proline 13 retained).
Molecular consequence: synonymous variant.
Genome position (GRCh38, 1-based): chr12:132,687,277, T>C on the plus strand (A>G on the coding strand, the complement: POLE is on the minus strand). VCF-style: chr12-132687277-T-C. GRCh37 (hg19) VCF-style: chr12-133263863-T-C.
Identifiers: ClinVar variation 518092 (VCV000518092.3), dbSNP rs1555231415, ClinGen allele CA482725594.